The following is an entry in ClinVar:

ClinVar aggregate classification (germline): Uncertain significance (1 of 4 stars; one submission).

gnomAD v4.1: 35 of 1,610,904 alleles (0.0022%); highest among the groups gnomAD compares: Middle Eastern, 0.082%; no homozygotes.

Submission:

Dasa
Classification: Uncertain significance. Last evaluated: 2025-12-26. Review status: criteria provided, single submitter. Criteria: DASA Assertion Criteria. Collection method: clinical testing. Allele origin: germline.
Comment: NM_002224.4(ITPR3):c.815C>T (p.Ser272Phe) is a missense variant that results in the substitution of serine with phenylalanine. This variant is rare in population databases. Computational prediction algorithms are consistent with a deleterious effect. The currently available literature and clinical evidence are not sufficient to establish a definitive association between this variant and the reported condition. Therefore, this variant is classified as a variant of uncertain significance.

NM_002224.4(ITPR3):c.815C>T (p.Ser272Phe)

Gene: ITPR3 (inositol 1,4,5-trisphosphate receptor type 3; plus strand). Cytogenetic location: 6p21.31.
Variant type: single nucleotide variant.
Coding change: c.815C>T on transcript NM_002224.4 (MANE Select); coding-DNA position 815, C replaced by T.
Protein change: p.Ser272Phe; replaces serine 272 with phenylalanine.
Molecular consequence: missense variant.
Genome position (GRCh38, 1-based): chr6:33,662,631, C>T. VCF-style: chr6-33662631-C-T. GRCh37 (hg19) VCF-style: chr6-33630408-C-T.
Other names: short protein forms S272F.
Identifiers: ClinVar variation 4884938 (VCV004884938.2).